The following is an entry in ClinVar:

ClinVar aggregate classification (germline): Likely pathogenic (1 of 4 stars; one submission).

Conditions:
CFTR-related disorder (CFTR-RD). Also called: CFTR-related disorders; CFTR-related condition. Identifiers: MedGen C5924204, MONDO:7770004.

Submission:

Natera, Inc.
Classification: Likely pathogenic for CFTR-related disorders. Last evaluated: 2024-08-25. Review status: criteria provided, single submitter. Criteria: Natera Variant Classification Schema (03/2026). Collection method: clinical testing. Allele origin: germline.
Comment: The c.1347_1350dup variant in CFTR is a frameshift variant predicted to shift the reading frame beginning at codon 451 and leads to a stop codon 32 codons downstream. This variant is expected to result in nonsense mediated decay, truncation, or a dysfunctional protein product. This variant is rare in the general population with a frequency below the threshold expected for the associated phenotype(s). Given the available evidence, this variant is classified as Likely Pathogenic.

NM_000492.4(CFTR):c.1347_1350dup (p.Gly451fs)

Genes: CFTR-AS1 (CFTR antisense RNA 1; minus strand), CFTR (CF transmembrane conductance regulator; plus strand). Cytogenetic location: 7q31.2.
Variant type: Duplication.
Coding change: c.1347_1350dup on transcript NM_000492.4 (MANE Select); coding-DNA positions 1347 to 1350, 4 bases duplicated (AAGA; older notation c.1347_1350dupAAGA).
Protein change: p.Gly451fs; shifts the reading frame from glycine 451.
Molecular consequence: frameshift variant.
Genome position (GRCh38, 1-based): chr7:117,548,778-117,548,781, AAGA duplicated; duplicating any 4 consecutive bases within chr7:117,548,775-117,548,781 gives the same sequence; the c. name uses the placement nearest the transcript's 3' end. VCF-style (leftmost placement, unchanged base first): chr7-117548774-T-TAGAA. GRCh37 (hg19) VCF-style: chr7-117188828-T-TAGAA.
Other names: short protein forms G451fs.
Identifiers: ClinVar variation 4818466 (VCV004818466.1).